The following is an entry in ClinVar:

ClinVar aggregate classification (germline): Likely benign (1 of 4 stars; one submission).

Submission:

CeGaT Center for Human Genetics Tuebingen
Classification: Likely benign. Last evaluated: 2025-01-01. Review status: criteria provided, single submitter. Criteria: CeGaT Center For Human Genetics Tuebingen Variant Classification Criteria Version 2. Collection method: clinical testing. Allele origin: germline. Affected: yes. Observed: 1 variant allele.
Comment: ADNP: PM2:Supporting, BP4, BP7

NM_001282531.3(ADNP):c.1065A>G (p.Ala355=)

Gene: ADNP (activity dependent neuroprotector homeobox; minus strand). Cytogenetic location: 20q13.13.
Variant type: single nucleotide variant.
Coding change: c.1065A>G on transcript NM_001282531.3 (MANE Select); coding-DNA position 1065, A replaced by G.
Protein change: p.Ala355=; no amino-acid change (alanine 355 retained).
Molecular consequence: synonymous variant.
Genome position (GRCh38, 1-based): chr20:50,893,649, T>C on the plus strand (A>G on the coding strand, the complement: ADNP is on the minus strand). VCF-style: chr20-50893649-T-C. GRCh37 (hg19) VCF-style: chr20-49510186-T-C.
Other names: c.1065A>G, p.Ala355= (NM_001282532.2, NM_001347511.2, NM_015339.5 and 1 more transcripts).
Identifiers: ClinVar variation 3772366 (VCV003772366.13).